The following is an entry in ClinVar:

NM_015261.3(NCAPD3):c.1273del (p.Arg425fs)

Gene: NCAPD3 (non-SMC condensin II complex subunit D3; minus strand). Cytogenetic location: 11q25.
Variant type: Deletion.
Coding change: c.1273del on transcript NM_015261.3 (MANE Select); coding-DNA position 1273, one base deleted (A; older notation c.1273delA).
Protein change: p.Arg425fs; shifts the reading frame from arginine 425.
Molecular consequence: frameshift variant.
Genome position (GRCh38, 1-based): chr11:134,203,849, T deleted on the plus strand (A on the coding strand, the reverse complement: NCAPD3 is on the minus strand); the first of 3 consecutive T bases (chr11:134,203,849-134,203,851); deleting any one gives the same sequence. VCF-style (leftmost placement, unchanged base first): chr11-134203848-CT-C. GRCh37 (hg19) VCF-style: chr11-134073743-CT-C.
Other names: c.1273del, p.Arg425fs (NM_001372065.1, NM_001372068.1); c.859del, p.Arg287fs (NM_001372069.1, NM_001372070.1); short protein forms R287fs, R425fs.
Identifiers: ClinVar variation 4849486 (VCV004849486.1).

ClinVar aggregate classification (germline): Likely pathogenic (1 of 4 stars; one submission).

Conditions:
Microcephaly 22, primary, autosomal recessive. Identifiers: MedGen C4693834, MONDO:0054805, OMIM 617984.

Submission:

First Genomix Gene Laboratory, Genetic Diagnostics Department
Classification: Likely pathogenic for Microcephaly 22, primary, autosomal recessive. Last evaluated: 2025-05-22. Review status: criteria provided, single submitter. Criteria: ACMG Guidelines, 2015. Collection method: clinical testing. Allele origin: germline. Inheritance: Autosomal recessive inheritance. Affected: no. Observed: 1 variant allele.